The following is an entry in ClinVar:

NM_001868.4(CPA1):c.503A>C (p.Lys168Thr)

Gene: CPA1 (carboxypeptidase A1; plus strand). Cytogenetic location: 7q32.2.
Variant type: single nucleotide variant.
Coding change: c.503A>C on transcript NM_001868.4 (MANE Select); coding-DNA position 503, A replaced by C.
Protein change: p.Lys168Thr; replaces lysine 168 with threonine.
Molecular consequence: missense variant.
Genome position (GRCh38, 1-based): chr7:130,383,410, A>C. VCF-style: chr7-130383410-A-C. GRCh37 (hg19) VCF-style: chr7-130023251-A-C.
Other names: short protein forms K168T.
Identifiers: ClinVar variation 1744931 (VCV001744931.2), dbSNP rs2536008057, ClinGen allele CA369282164.

ClinVar aggregate classification (germline): Uncertain significance (1 of 4 stars; one submission).

Conditions:
Hereditary pancreatitis (PCTT). Also called: Hereditary chronic pancreatitis; PRSS1-Related Hereditary Pancreatitis. Identifiers: Orphanet 676, MedGen C0238339, MONDO:0008185, OMIM 167800.

Submission:

Ambry Genetics
Classification: Uncertain significance for Hereditary pancreatitis. Last evaluated: 2021-12-10. Review status: criteria provided, single submitter. Criteria: Ambry Variant Classification Scheme 2023. Collection method: clinical testing. Allele origin: germline.
Comment: The p.K168T variant (also known as c.503A>C), located in coding exon 5 of the CPA1 gene, results from an A to C substitution at nucleotide position 503. The lysine at codon 168 is replaced by threonine, an amino acid with similar properties. This amino acid position is conserved. In addition, this alteration is predicted to be tolerated by in silico analysis. Since supporting evidence is limited at this time, the clinical significance of this alteration remains unclear.